The following is an entry in ClinVar:

ClinVar aggregate classification (germline): Pathogenic/Likely pathogenic. Review status: criteria provided, multiple submitters, no conflicts (2 of 4 stars). 3 submissions from 3 submitters: Pathogenic (1); Likely pathogenic (1). 1 of the submissions does not count toward it. Last evaluated 2023-08-29.

Conditions:
Catecholaminergic polymorphic ventricular tachycardia 1. Also called: VENTRICULAR TACHYCARDIA, CATECHOLAMINERGIC POLYMORPHIC, 1, WITH OR WITHOUT ATRIAL DYSFUNCTION AND/OR DILATED CARDIOMYOPATHY; VENTRICULAR TACHYCARDIA, STRESS-INDUCED POLYMORPHIC 1; RYR2-Related Catecholaminergic Polymorphic Ventricular Tachycardia. Identifiers: Orphanet 3286, MedGen C1631597, MONDO:0011484, OMIM 604772.
Wolff-Parkinson-White pattern. Also called: WPW SYNDROME; Auriculoventricular accessory pathway syndrome; False bundle branch block syndrome; Anomalous ventricular excitation syndrome. Identifiers: MedGen C0043202, MONDO:0008685, OMIM 194200, HP:0001716.

Submissions (3):

Labcorp Genetics (formerly Invitae), Labcorp
Classification: Pathogenic for Catecholaminergic polymorphic ventricular tachycardia 1. Last evaluated: 2023-08-29. Review status: criteria provided, single submitter. Criteria: Invitae Variant Classification Sherloc (09022015). Collection method: clinical testing. Allele origin: germline.
Comment: For these reasons, this variant has been classified as Pathogenic. This sequence change affects the initiator methionine of the CASQ2 mRNA. The next in-frame methionine is located at codon 93. This variant is not present in population databases (gnomAD no frequency). This variant has not been reported in the literature in individuals affected with CASQ2-related conditions. ClinVar contains an entry for this variant (Variation ID: 452250). This variant disrupts a region of the CASQ2 protein in which other variant(s) (p.Tyr55Cys) have been determined to be pathogenic (PMID: 18684293, 21618644, 32693635). This suggests that this is a clinically significant region of the protein, and that variants that disrupt it are likely to be disease-causing.

GeneDx
Classification: Likely pathogenic. Last evaluated: 2017-09-25. Review status: criteria provided, single submitter. Criteria: GeneDx Variant Classification (06012015). Collection method: clinical testing. Allele origin: germline. Affected: yes.
Comment: The c.2 T>C likely pathogenic variant in the CASQ2 gene has not been published to our knowledge. This variant alters the initiator methionine (M) codon, and the resultant protein would be described as p.Met1?" using a question mark to signify that it is not known if the loss of Met1 means that all protein translation is completely prevented or if an abnormal protein is produced using an alternate methionine. The c.2 T>C variant is not observed in large population cohorts (Lek et al., 2016)."

Clinical Molecular Genetics Laboratory, Johns Hopkins All Children's Hospital
Classification: Likely pathogenic for Wolff-Parkinson-White syndrome. Last evaluated: 2016-12-01. Review status: no assertion criteria provided. Collection method: clinical testing. Allele origin: germline. Affected: yes. Not counted in ClinVar's aggregate classification.

Literature cited by the submitters: PubMed 18684293 (cited by Labcorp Genetics (formerly Invitae), Labcorp); PubMed 21618644 (cited by Labcorp Genetics (formerly Invitae), Labcorp); PubMed 32693635 (cited by Labcorp Genetics (formerly Invitae), Labcorp).

NM_001232.4(CASQ2):c.2T>C (p.Met1Thr)

Gene: CASQ2 (calsequestrin 2; minus strand). Cytogenetic location: 1p13.1.
Variant type: single nucleotide variant.
Coding change: c.2T>C on transcript NM_001232.4 (MANE Select); coding-DNA position 2, T replaced by C.
Protein change: p.Met1Thr; changes the start codon (methionine 1).
Molecular consequence: missense variant, initiator codon variant.
Genome position (GRCh38, 1-based): chr1:115,768,540, A>G on the plus strand (T>C on the coding strand, the complement: CASQ2 is on the minus strand). VCF-style: chr1-115768540-A-G. GRCh37 (hg19) VCF-style: chr1-116311161-A-G.
Other names: short protein forms M1T.
Identifiers: ClinVar variation 452250 (VCV000452250.8), dbSNP rs1553197939, ClinGen allele CA341767476.